The following is an entry in ClinVar:

ClinVar aggregate classification (germline): Uncertain significance. Review status: criteria provided, multiple submitters, no conflicts (2 of 4 stars). 4 submissions from 4 submitters: Uncertain significance (4). Last evaluated 2026-08-01.

Conditions:
GUCY2D-related disorder. Also called: GUCY2D-related condition.
Leber congenital amaurosis 1 (LCA1). Also called: AMAUROSIS CONGENITA OF LEBER I; Congenital absence of the rods and cones; Leber's congenital tapetoretinal degeneration; Leber's congenital tapetoretinal dysplasia; RETINAL BLINDNESS, CONGENITAL. Identifiers: Orphanet 65, MedGen C2931258, MONDO:0008764, OMIM 204000.
Cone-rod dystrophy 6 (CORD6). Also called: Cone dystrophy progressive; RETINAL CONE DYSTROPHY 2. Identifiers: Orphanet 1872, MedGen C1866293, MONDO:0011143, OMIM 601777.
Inborn genetic diseases. Identifiers: MedGen C0950123, MeSH D030342.

Allele frequency attached by ClinVar (database versions not stated): TOPMed 0.00004; gnomAD exomes 0.00009; ExAC 0.00010.
gnomAD v4.1: 138 of 1,517,456 alleles (0.0091%); highest among the groups gnomAD compares: Non-Finnish European, 0.0093%; no homozygotes.

Submissions (4):

PreventionGenetics, part of Exact Sciences
Classification: Uncertain significance for GUCY2D-related condition. Last evaluated: 2026-08-01. Review status: criteria provided, single submitter. Criteria: ACMG Guidelines, 2015. Collection method: clinical testing. Allele origin: germline.
Comment: The GUCY2D c.145G>T variant is predicted to result in the amino acid substitution p.Ala49Ser. To our knowledge, this variant has not been reported in the literature. This variant is reported in 0.027% of alleles in individuals of Ashkenazi Jewish descent in gnomAD. At this time, the clinical significance of this variant is uncertain due to the absence of conclusive functional and genetic evidence.

Ambry Genetics
Classification: Uncertain significance for Inborn genetic diseases. Last evaluated: 2025-07-03. Review status: criteria provided, single submitter. Criteria: Ambry Variant Classification Scheme 2023. Collection method: clinical testing. Allele origin: germline.

Blueprint Genetics
Classification: Uncertain significance. Last evaluated: 2024-10-07. Review status: criteria provided, single submitter. Criteria: ACMG Guidelines, 2015. Collection method: clinical testing. Allele origin: germline.

Labcorp Genetics (formerly Invitae), Labcorp
Classification: Uncertain significance for Leber congenital amaurosis 1; Cone-rod dystrophy 6. Last evaluated: 2024-08-14. Review status: criteria provided, single submitter. Criteria: Invitae Variant Classification Sherloc (09022015). Collection method: clinical testing. Allele origin: germline.
Comment: This sequence change replaces alanine, which is neutral and non-polar, with serine, which is neutral and polar, at codon 49 of the GUCY2D protein (p.Ala49Ser). This variant is present in population databases (rs771232307, gnomAD 0.03%). This variant has not been reported in the literature in individuals affected with GUCY2D-related conditions. ClinVar contains an entry for this variant (Variation ID: 839843). Invitae Evidence Modeling of protein sequence and biophysical properties (such as structural, functional, and spatial information, amino acid conservation, physicochemical variation, residue mobility, and thermodynamic stability) indicates that this missense variant is not expected to disrupt GUCY2D protein function with a negative predictive value of 80%. In summary, the available evidence is currently insufficient to determine the role of this variant in disease. Therefore, it has been classified as a Variant of Uncertain Significance.

NM_000180.4(GUCY2D):c.145G>T (p.Ala49Ser)

Gene: GUCY2D (guanylate cyclase 2D, retinal; plus strand). Cytogenetic location: 17p13.1.
Variant type: single nucleotide variant.
Coding change: c.145G>T on transcript NM_000180.4 (MANE Select); coding-DNA position 145, G replaced by T.
Protein change: p.Ala49Ser; replaces alanine 49 with serine.
Molecular consequence: missense variant.
Genome position (GRCh38, 1-based): chr17:8,003,192, G>T. VCF-style: chr17-8003192-G-T. GRCh37 (hg19) VCF-style: chr17-7906510-G-T.
Other names: short protein forms A49S.
Identifiers: ClinVar variation 839843 (VCV000839843.11), dbSNP rs771232307, ClinGen allele CA8365475.
Genomic context (GRCh38, chr17:8,003,192, plus strand): 5'-CTCCCCCGGGCCCTGCCCCGGCTCCCGCTCCTGCTGCTCCTGCTTCTGCTGCAGCCCCCC[G>T]CCCTCTCCGCCGTGTTCACGGTGGGGGTCCTGGGCCCCTGGGCTTGCGACCCCATCTTCT-3'
Protein context (NP_000171.1, residues 39-59): LLLLLLLQPP[Ala49Ser]LSAVFTVGVL